The following is an entry in ClinVar:

ClinVar aggregate classification (germline): Pathogenic/Likely pathogenic. Review status: criteria provided, multiple submitters, no conflicts (2 of 4 stars). 3 submissions from 3 submitters: Pathogenic (1); Likely pathogenic (2). Last evaluated 2024-07-09.

Conditions:
Hereditary cancer-predisposing syndrome. Also called: Neoplastic Syndromes, Hereditary; Hereditary neoplastic syndrome; Hereditary Cancer Syndrome; Tumor predisposition. Identifiers: Orphanet 140162, MedGen C0027672, MeSH D009386, MONDO:0015356.
Birt-Hogg-Dube syndrome. Also called: Birt Hogg Dubé syndrome. Identifiers: Orphanet 122, MedGen C0346010, MONDO:0800444.

gnomAD v4.1: 1 of 1,613,254 alleles (0.000062%); highest among the groups gnomAD compares: Non-Finnish European, 0.000085%; no homozygotes.

Submissions (3):

Ambry Genetics
Classification: Likely pathogenic for Hereditary cancer-predisposing syndrome. Last evaluated: 2024-07-09. Review status: criteria provided, single submitter. Criteria: Ambry Variant Classification Scheme 2023. Collection method: clinical testing. Allele origin: germline.
Comment: The p.C11W variant (also known as c.33C>G), located in coding exon 1 of the FLCN gene, results from a C to G substitution at nucleotide position 33. The cysteine at codon 11 is replaced by tryptophan, an amino acid with highly dissimilar properties. This variant has been observed in at least one individual with a personal and/or family history that is consistent with Birt-Hogg-Dub&eacute; syndrome (BHDS) (Ambry internal data). Additionally, another variant at the same codon, p.C11R (c.31T>C), has been detected in one patient from a cohort of individuals with BHDS (Lee JH et al. Korean J Intern Med, 2019 Jul;34:830-840). This amino acid position is highly conserved in available vertebrate species. In addition, this alteration is predicted to be deleterious by in silico analysis. This variant is considered to be rare based on population cohorts in the Genome Aggregation Database (gnomAD). Based on the majority of available evidence to date, this variant is likely to be pathogenic.

Labcorp Genetics (formerly Invitae), Labcorp
Classification: Pathogenic for Birt-Hogg-Dube syndrome. Last evaluated: 2024-02-22. Review status: criteria provided, single submitter. Criteria: Invitae Variant Classification Sherloc (09022015). Collection method: clinical testing. Allele origin: germline.
Comment: This sequence change replaces cysteine, which is neutral and slightly polar, with tryptophan, which is neutral and slightly polar, at codon 11 of the FLCN protein (p.Cys11Trp). This variant is not present in population databases (gnomAD no frequency). This missense change has been observed in individual(s) with clinical features of Birt-Hogg-Dubé syndrome (Invitae; external communication). It has also been observed to segregate with disease in related individuals. ClinVar contains an entry for this variant (Variation ID: 993903). Advanced modeling of protein sequence and biophysical properties (such as structural, functional, and spatial information, amino acid conservation, physicochemical variation, residue mobility, and thermodynamic stability) performed at Invitae indicates that this missense variant is expected to disrupt FLCN protein function with a positive predictive value of 80%. This variant disrupts the p.Cys11 amino acid residue in FLCN. Other variant(s) that disrupt this residue have been observed in individuals with FLCN-related conditions (PMID: 30360018; Invitae; external communication), which suggests that this may be a clinically significant amino acid residue. For these reasons, this variant has been classified as Pathogenic.

ARUP Laboratories, Molecular Genetics and Genomics, ARUP Laboratories
Classification: Likely pathogenic. Last evaluated: 2020-06-15. Review status: criteria provided, single submitter. Criteria: ARUP Molecular Germline Variant Investigation Process. Collection method: clinical testing. Allele origin: germline.
Comment: The FLCN c.33C>G; p.Cys11Trp variant, to our knowledge, is not reported in the medical literature or gene specific databases. This variant is also absent from general population databases (Exome Variant Server, Genome Aggregation Database), indicating it is not a common polymorphism. Additionally, another variant at this codon (c.31C>T, p.Cys11Arg) have been reported in individuals with Birt-Hogg-Dube syndrome (Lee 2019). The cysteine at codon 11 is highly conserved, and computational analyses (SIFT, PolyPhen-2) predict that this variant is deleterious. Based on available information, this variant is considered to be likely pathogenic. References: Lee et al. Birt-Hogg-DubÃ© Syndrome in Korean: Clinicoradiologic Features and Long Term Follow-Up. Korean J Intern Med. 2019 Jul;34(4):830-840.

Literature cited by the submitters: PubMed 30360018 (cited by Labcorp Genetics (formerly Invitae), Labcorp).

NM_144997.7(FLCN):c.33C>G (p.Cys11Trp)

Gene: FLCN (folliculin; minus strand). Cytogenetic location: 17p11.2.
Variant type: single nucleotide variant.
Coding change: c.33C>G on transcript NM_144997.7 (MANE Select); coding-DNA position 33, C replaced by G.
Protein change: p.Cys11Trp; replaces cysteine 11 with tryptophan.
Molecular consequence: missense variant.
Genome position (GRCh38, 1-based): chr17:17,228,105, G>C on the plus strand (C>G on the coding strand, the complement: FLCN is on the minus strand). VCF-style: chr17-17228105-G-C. GRCh37 (hg19) VCF-style: chr17-17131419-G-C.
Other names: c.33C>G, p.Cys11Trp (NM_001353229.2, NM_001353230.2, NM_001353231.2 and 1 more transcripts); c.33C>G (NM_144997.5); short protein forms C11W.
Identifiers: ClinVar variation 993903 (VCV000993903.14), dbSNP rs754616167, ClinGen allele CA398535465.